The following is an entry in ClinVar:

ClinVar aggregate classification (germline): Benign/Likely benign. Review status: criteria provided, multiple submitters, no conflicts (2 of 4 stars). 4 submissions from 4 submitters: Benign (2); Likely benign (1). 1 of the submissions does not count toward it. Last evaluated 2026-02-01.

Conditions:
RAB11A-related disorder. Also called: RAB11A-related condition.

Allele frequency attached by ClinVar (database versions not stated): 1000 Genomes Project 30x 0.00016; 1000 Genomes Project 0.00020; ExAC 0.00027; gnomAD exomes 0.00028 and 0.00039; ESP Exome Variant Server 0.00031; gnomAD 0.00061 and 0.00063; TOPMed 0.00090.
gnomAD v4.1: 526 of 1,613,850 alleles (0.033%); highest among the groups gnomAD compares: Middle Eastern, 0.38%; 1 homozygote.

Submissions (4):

Labcorp Genetics (formerly Invitae), Labcorp
Classification: Benign. Last evaluated: 2026-02-01. Review status: criteria provided, single submitter. Criteria: Invitae Variant Classification Sherloc (09022015). Collection method: clinical testing. Allele origin: germline.

Blueprint Genetics
Classification: Likely benign. Last evaluated: 2024-09-24. Review status: criteria provided, single submitter. Criteria: ACMG Guidelines, 2015. Collection method: clinical testing. Allele origin: germline.

Breakthrough Genomics
Classification: Benign. Review status: criteria provided, single submitter. Criteria: ACMG Guidelines, 2015. Collection method: not provided. Allele origin: germline. Inheritance: Unknown mechanism. Affected: yes.

PreventionGenetics, part of Exact Sciences
Classification: Likely benign for RAB11A-related condition. Last evaluated: 2019-06-06. Review status: no assertion criteria provided. Collection method: clinical testing. Allele origin: germline. Not counted in ClinVar's aggregate classification.
Comment: This variant is classified as likely benign based on ACMG/AMP sequence variant interpretation guidelines (Richards et al. 2015 PMID: 25741868, with internal and published modifications).

NM_004663.5(RAB11A):c.591T>G (p.Pro197=)

Gene: RAB11A (RAB11A, member RAS oncogene family; plus strand). Cytogenetic location: 15q22.31.
Variant type: single nucleotide variant.
Coding change: c.591T>G on transcript NM_004663.5 (MANE Select); coding-DNA position 591, T replaced by G.
Protein change: p.Pro197=; no amino-acid change (proline 197 retained).
Molecular consequence: synonymous variant. On other transcripts: 3 prime UTR variant (1).
Genome position (GRCh38, 1-based): chr15:65,887,780, T>G. VCF-style: chr15-65887780-T-G. GRCh37 (hg19) VCF-style: chr15-66180118-T-G.
Other names: c.*28T>G (NM_001206836.2); c.591T>G (NM_004663.4).
Identifiers: ClinVar variation 1599349 (VCV001599349.12), dbSNP rs200883500, ClinGen allele CA7621642.